The following is an entry in ClinVar:

ClinVar aggregate classification (germline): Uncertain significance (1 of 4 stars; one submission).

Allele frequency attached by ClinVar (database versions not stated): 1000 Genomes Project 30x 0.00042.
gnomAD v4.1: 2 of 1,192,658 alleles (0.00017%); highest among the groups gnomAD compares: African/African-American, 0.0018%; no homozygotes.

Submission:

GeneDx
Classification: Uncertain significance. Last evaluated: 2019-03-21. Review status: criteria provided, single submitter. Criteria: GeneDx Variant Classification Process June 2021. Collection method: clinical testing. Allele origin: germline. Affected: yes.
Comment: Not observed in large population cohorts (Lek et al., 2016); In silico analysis, which includes protein predictors and evolutionary conservation, supports that this variant does not alter protein structure/function; Has not been previously published as pathogenic or benign to our knowledge

NM_001099922.3(ALG13):c.979G>A (p.Val327Ile)

Gene: ALG13 (ALG13 UDP-N-acetylglucosaminyltransferase subunit; plus strand). Cytogenetic location: Xq23.
Variant type: single nucleotide variant.
Coding change: c.979G>A on transcript NM_001099922.3 (MANE Select); coding-DNA position 979, G replaced by A.
Protein change: p.Val327Ile; replaces valine 327 with isoleucine.
Molecular consequence: missense variant. On other transcripts: non-coding transcript variant (1).
Genome position (GRCh38, 1-based): chrX:111,713,271, G>A. VCF-style: chrX-111713271-G-A. GRCh37 (hg19) VCF-style: chrX-110956499-G-A.
Other names: c.667G>A, p.Val223Ile (NM_001257230.2, NM_001257234.2, NM_001257237.2 and 1 more transcripts); c.745G>A, p.Val249Ile (NM_001257231.2); c.979G>A, p.Val327Ile (NM_001324292.2); short protein forms V223I, V249I, V327I.
Identifiers: ClinVar variation 1308214 (VCV001308214.2), dbSNP rs2148053185, ClinGen allele CA414250556.